The following is an entry in ClinVar:

NM_004727.3(SLC24A1):c.2577C>T (p.Ser859=)

Gene: SLC24A1 (solute carrier family 24 member 1; plus strand). Cytogenetic location: 15q22.31.
Variant type: single nucleotide variant.
Coding change: c.2577C>T on transcript NM_004727.3 (MANE Select); coding-DNA position 2577, C replaced by T.
Protein change: p.Ser859=; no amino-acid change (serine 859 retained).
Molecular consequence: synonymous variant.
Genome position (GRCh38, 1-based): chr15:65,650,726, C>T. VCF-style: chr15-65650726-C-T. GRCh37 (hg19) VCF-style: chr15-65943064-C-T.
Other names: c.558C>T, p.Ser186= (NM_001254740.2); c.2577C>T, p.Ser859= (NM_001301031.1); c.2523C>T, p.Ser841= (NM_001301032.1, NM_001301033.2).
Identifiers: ClinVar variation 198522 (VCV000198522.18), dbSNP rs371059164, ClinGen allele CA247208.

ClinVar aggregate classification (germline): Conflicting classifications of pathogenicity. Review status: criteria provided, conflicting classifications (1 of 4 stars). 5 submissions from 5 submitters: Uncertain significance (2); Likely benign (3). Last evaluated 2025-08-10.

Conditions:
SLC24A1-related disorder. Also called: SLC24A1-related condition.
Congenital stationary night blindness 1D. Also called: Night blindness, congenital stationary (complete), 1D, autosomal recessive. Identifiers: Orphanet 215, MedGen C3151193, MONDO:0013450, OMIM 613830.

Allele frequency attached by ClinVar (database versions not stated): ExAC 0.00007; ESP Exome Variant Server 0.00023; gnomAD 0.00027 and 0.00029; TOPMed 0.00031.
gnomAD v4.1: 150 of 1,566,010 alleles (0.0096%); highest among the groups gnomAD compares: African/African-American, 0.12%; 1 homozygote.

Submissions (5):

Labcorp Genetics (formerly Invitae), Labcorp
Classification: Likely benign. Last evaluated: 2025-08-10. Review status: criteria provided, single submitter. Criteria: Invitae Variant Classification Sherloc (09022015). Collection method: clinical testing. Allele origin: germline.

PreventionGenetics, part of Exact Sciences
Classification: Likely benign for SLC24A1-related condition. Last evaluated: 2024-11-23. Review status: criteria provided, single submitter. Criteria: ACMG Guidelines, 2015. Collection method: clinical testing. Allele origin: germline.
Comment: This variant is classified as likely benign based on ACMG/AMP sequence variant interpretation guidelines (Richards et al. 2015 PMID: 25741868, with internal and published modifications).

Blueprint Genetics
Classification: Likely benign. Last evaluated: 2024-10-18. Review status: criteria provided, single submitter. Criteria: ACMG Guidelines, 2015. Collection method: clinical testing. Allele origin: germline.

Illumina Laboratory Services, Illumina
Classification: Uncertain significance for Congenital stationary night blindness 1D. Last evaluated: 2018-01-12. Review status: criteria provided, single submitter. Criteria: ICSL Variant Classification Criteria 13 December 2019. Collection method: clinical testing. Allele origin: germline.

Eurofins Ntd Llc (ga)
Classification: Uncertain significance. Last evaluated: 2015-03-02. Review status: criteria provided, single submitter. Criteria: EGL Classification Definitions 2015. Collection method: clinical testing. Allele origin: germline. Observed: 1 variant allele, 1 heterozygote.